The following is an entry in ClinVar:

NM_201384.3(PLEC):c.6594C>T (p.Thr2198=)

Gene: PLEC (plectin; minus strand). Cytogenetic location: 8q24.3.
Variant type: single nucleotide variant.
Coding change: c.6594C>T on transcript NM_201384.3 (MANE Select); coding-DNA position 6594, C replaced by T.
Protein change: p.Thr2198=; no amino-acid change (threonine 2198 retained).
Molecular consequence: synonymous variant.
Genome position (GRCh38, 1-based): chr8:143,923,335, G>A on the plus strand (C>T on the coding strand, the complement: PLEC is on the minus strand). VCF-style: chr8-143923335-G-A. GRCh37 (hg19) VCF-style: chr8-144997503-G-A.
Other names: p.Thr2184=; c.6675C>T, p.Thr2225= (NM_000445.5); c.6552C>T, p.Thr2184= (NM_201378.4); c.6528C>T, p.Thr2176= (NM_201379.3); c.7005C>T, p.Thr2335= (NM_201380.4); c.6498C>T, p.Thr2166= (NM_201381.3); c.6594C>T, p.Thr2198= (NM_201382.4); c.6606C>T, p.Thr2202= (NM_201383.3).
Identifiers: ClinVar variation 196750 (VCV000196750.61), dbSNP rs144242254, ClinGen allele CA243984.

ClinVar aggregate classification (germline): Conflicting classifications of pathogenicity. Review status: criteria provided, conflicting classifications (1 of 4 stars). 10 submissions from 10 submitters: Uncertain significance (1); Benign (2); Likely benign (4). 3 of the submissions do not count toward it. Last evaluated 2026-01-27.

Conditions:
Epidermolysis bullosa simplex, Ogna type (EBS5A). Also called: Pidermolysis bullosa simplex 5A, Ogna type; EPIDERMOLYSIS BULLOSA SIMPLEX 5A, OGNA TYPE. Identifiers: Orphanet 79401, MedGen C0432317, MONDO:0007555, OMIM 131950.
Epidermolysis bullosa simplex 5C, with pyloric atresia (EBS5C). Also called: PLEC-Related Epidermolysis Bullosa with Pyloric Atresia; Epidermolysis bullosa simplex with pyloric atresia; PLEC1-Related Epidermolysis Bullosa with Pyloric Atresia. Identifiers: Orphanet 158684, MedGen C2677349, MONDO:0012807, OMIM 612138.
Autosomal recessive limb-girdle muscular dystrophy type 2Q (LGMDR17). Also called: MUSCULAR DYSTROPHY, LIMB-GIRDLE, AUTOSOMAL RECESSIVE 17. Identifiers: Orphanet 254361, MedGen C3150989, MONDO:0013390, OMIM 613723.
Epidermolysis bullosa simplex with nail dystrophy (EBS5D). Identifiers: MedGen C4225309, MONDO:0014661, OMIM 616487.
Epidermolysis bullosa simplex 5B, with muscular dystrophy (EBS5B). Also called: EPIDERMOLYSIS BULLOSA SIMPLEX AND LIMB-GIRDLE MUSCULAR DYSTROPHY; Epidermolysis bullosa simplex with muscular dystrophy. Identifiers: Orphanet 257, MedGen C2931072, MONDO:0009181, OMIM 226670.

Allele frequency attached by ClinVar (database versions not stated): ESP Exome Variant Server 0.00063; gnomAD 0.00091 and 0.00093; TOPMed 0.00124; 1000 Genomes Project 30x 0.00125; gnomAD exomes 0.00129; ExAC 0.00135; 1000 Genomes Project 0.00160.
gnomAD v4.1: 2,042 of 1,609,842 alleles (0.13%); highest among the groups gnomAD compares: Middle Eastern, 0.33%; 3 homozygotes.

Submissions (10):

Labcorp Genetics (formerly Invitae), Labcorp
Classification: Benign for Autosomal recessive limb-girdle muscular dystrophy type 2Q; Epidermolysis bullosa simplex, Ogna type; Epidermolysis bullosa simplex with nail dystrophy; Epidermolysis bullosa simplex 5C, with pyloric atresia; Epidermolysis bullosa simplex 5B, with muscular dystrophy. Last evaluated: 2026-01-27. Review status: criteria provided, single submitter. Criteria: Invitae Variant Classification Sherloc (09022015). Collection method: clinical testing. Allele origin: germline.

Mayo Clinic Laboratories, Mayo Clinic
Classification: Likely benign. Last evaluated: 2025-07-21. Review status: criteria provided, single submitter. Criteria: ACMG Guidelines, 2015. Collection method: clinical testing. Allele origin: germline. Observed: 8 variant alleles.
Comment: BS1, BP4, BP7

Athena Diagnostics
Classification: Benign. Last evaluated: 2025-07-07. Review status: criteria provided, single submitter. Criteria: Athena Diagnostics Criteria. Collection method: clinical testing. Allele origin: unknown.
Comment: The frequency of this variant in the general population is higher than would generally be expected for pathogenic variants in this gene. Computational tools yielded predictions that this variant is unlikely to have an effect on normal RNA splicing. This nucleotide position exhibits low evolutionary conservation.

Blueprint Genetics
Classification: Likely benign. Last evaluated: 2024-11-25. Review status: criteria provided, single submitter. Criteria: ACMG Guidelines, 2015. Collection method: clinical testing. Allele origin: germline.

CeGaT Center for Human Genetics Tuebingen
Classification: Likely benign. Last evaluated: 2023-09-01. Review status: criteria provided, single submitter. Criteria: CeGaT Center For Human Genetics Tuebingen Variant Classification Criteria Version 2. Collection method: clinical testing. Allele origin: germline. Affected: yes. Observed: 8 variant alleles.
Comment: PLEC: BP4, BP7

GeneDx
Classification: Likely benign. Last evaluated: 2020-05-01. Review status: criteria provided, single submitter. Criteria: GeneDx Variant Classification Process June 2021. Collection method: clinical testing. Allele origin: germline. Affected: yes.

Eurofins Ntd Llc (ga)
Classification: Uncertain significance. Last evaluated: 2017-02-28. Review status: criteria provided, single submitter. Criteria: EGL Classification Definitions 2015. Collection method: clinical testing. Allele origin: germline. Observed: 5 variant alleles, 5 heterozygotes.

Clinical Genetics DNA and cytogenetics Diagnostics Lab, Erasmus MC, Erasmus Medical Center
Classification: Likely benign. Review status: no assertion criteria provided. Collection method: clinical testing. Allele origin: germline. Affected: yes. Study: VKGL Data-share Consensus. Not counted in ClinVar's aggregate classification.

Clinical Genetics, Academic Medical Center
Classification: Likely benign. Review status: no assertion criteria provided. Collection method: clinical testing. Allele origin: germline. Affected: yes. Study: VKGL Data-share Consensus. Not counted in ClinVar's aggregate classification.

Laboratory of Diagnostic Genome Analysis, Leiden University Medical Center (LUMC)
Classification: Likely benign. Review status: no assertion criteria provided. Collection method: clinical testing. Allele origin: germline. Affected: yes. Study: VKGL Data-share Consensus. Not counted in ClinVar's aggregate classification.